The following is an entry in ClinVar:

ClinVar aggregate classification (germline): Uncertain significance. Review status: criteria provided, multiple submitters, no conflicts (2 of 4 stars). 2 submissions from 2 submitters: Uncertain significance (2). Last evaluated 2025-02-27.

Conditions:
Hereditary cancer-predisposing syndrome. Also called: Tumor predisposition; Hereditary neoplastic syndrome; Neoplastic Syndromes, Hereditary; Hereditary Cancer Syndrome. Identifiers: Orphanet 140162, MedGen C0027672, MeSH D009386, MONDO:0015356.

Submissions (2):

Ambry Genetics
Classification: Uncertain significance for Hereditary cancer-predisposing syndrome. Last evaluated: 2025-02-27. Review status: criteria provided, single submitter. Criteria: Ambry Variant Classification Scheme 2023. Collection method: clinical testing. Allele origin: germline.
Comment: The p.I440V variant (also known as c.1318A>G), located in coding exon 8 of the MSH3 gene, results from an A to G substitution at nucleotide position 1318. The isoleucine at codon 440 is replaced by valine, an amino acid with highly similar properties. This amino acid position is not well conserved in available vertebrate species. In addition, this alteration is predicted to be tolerated by in silico analysis. Since supporting evidence is limited at this time, the clinical significance of this alteration remains unclear.

Labcorp Genetics (formerly Invitae), Labcorp
Classification: Uncertain significance. Last evaluated: 2021-06-17. Review status: criteria provided, single submitter. Criteria: Invitae Variant Classification Sherloc (09022015). Collection method: clinical testing. Allele origin: germline.
Comment: In summary, the available evidence is currently insufficient to determine the role of this variant in disease. Therefore, it has been classified as a Variant of Uncertain Significance. Algorithms developed to predict the effect of missense changes on protein structure and function output the following: SIFT: "Tolerated"; PolyPhen-2: "Benign"; Align-GVGD: "Class C0". The valine amino acid residue is found in multiple mammalian species, suggesting that this missense change does not adversely affect protein function. These predictions have not been confirmed by published functional studies and their clinical significance is uncertain. This variant has not been reported in the literature in individuals with MSH3-related disease. ClinVar contains an entry for this variant (Variation ID: 818898). This variant is not present in population databases (ExAC no frequency). This sequence change replaces isoleucine with valine at codon 440 of the MSH3 protein (p.Ile440Val). The isoleucine residue is highly conserved and there is a small physicochemical difference between isoleucine and valine.

NM_002439.5(MSH3):c.1318A>G (p.Ile440Val)

Gene: MSH3 (mutS homolog 3; plus strand). Cytogenetic location: 5q14.1.
Variant type: single nucleotide variant.
Coding change: c.1318A>G on transcript NM_002439.5 (MANE Select); coding-DNA position 1318, A replaced by G.
Protein change: p.Ile440Val; replaces isoleucine 440 with valine.
Molecular consequence: missense variant.
Genome position (GRCh38, 1-based): chr5:80,679,071, A>G. VCF-style: chr5-80679071-A-G. GRCh37 (hg19) VCF-style: chr5-79974890-A-G.
Other names: short protein forms I440V.
Identifiers: ClinVar variation 818898 (VCV000818898.14), dbSNP rs1415582194, ClinGen allele CA360269108.